The following is an entry in ClinVar:

NM_000321.3(RB1):c.17C>T (p.Pro6Leu)

Gene: RB1 (RB transcriptional corepressor 1; plus strand). Cytogenetic location: 13q14.2.
Variant type: single nucleotide variant.
Coding change: c.17C>T on transcript NM_000321.3 (MANE Select); coding-DNA position 17, C replaced by T.
Protein change: p.Pro6Leu; replaces proline 6 with leucine.
Molecular consequence: missense variant.
Genome position (GRCh38, 1-based): chr13:48,303,929, C>T. VCF-style: chr13-48303929-C-T. GRCh37 (hg19) VCF-style: chr13-48878065-C-T.
Other names: c.17C>T, p.Pro6Leu (NM_001407165.1, NM_001407166.1, NM_001407167.1); short protein forms P6L.
Identifiers: ClinVar variation 1780360 (VCV001780360.7), dbSNP rs755482658, ClinGen allele CA032568.

ClinVar aggregate classification (germline): Conflicting classifications of pathogenicity. Review status: criteria provided, conflicting classifications (1 of 4 stars). 4 submissions from 4 submitters: Uncertain significance (2); Likely benign (2). Last evaluated 2026-06-18.

Conditions:
Malignant tumor of urinary bladder. Also called: Urinary Bladder Neoplasms; Bladder cancer; Urinary bladder cancer. Identifiers: MedGen C0005684, MONDO:0001187, OMIM 109800.
Hereditary cancer-predisposing syndrome. Also called: Neoplastic Syndromes, Hereditary; Tumor predisposition; Hereditary neoplastic syndrome; Hereditary Cancer Syndrome. Identifiers: Orphanet 140162, MedGen C0027672, MeSH D009386, MONDO:0015356.
Retinoblastoma (RB1). Also called: RETINOBLASTOMA, SOMATIC. Identifiers: Orphanet 790, MedGen C0035335, MeSH D012175, MONDO:0008380, OMIM 180200, HP:0009919. Disease mechanism: loss of function. Inheritance: Both sporadic and heritable forms are tested..

Allele frequency attached by ClinVar (database versions not stated): ExAC 0.00019; TOPMed below 0.00001; gnomAD exomes 0.00001.
gnomAD v4.1: 9 of 1,511,700 alleles (0.0006%); highest among the groups gnomAD compares: South Asian, 0.0049%; no homozygotes.

Submissions (4):

Myriad Genetics, Inc.
Classification: Likely benign for Retinoblastoma. Last evaluated: 2026-06-18. Review status: criteria provided, single submitter. Criteria: Myriad Autosomal Dominant, Autosomal Recessive and X-Linked Classification Criteria (2023). Collection method: clinical testing. Allele origin: unknown.
Comment: This variant is considered likely benign. This variant has been observed at a population frequency that is significantly greater than expected given the associated disease prevalence and penetrance.

Labcorp Genetics (formerly Invitae), Labcorp
Classification: Uncertain significance for Retinoblastoma. Last evaluated: 2024-04-24. Review status: criteria provided, single submitter. Criteria: Invitae Variant Classification Sherloc (09022015). Collection method: clinical testing. Allele origin: germline.
Comment: This sequence change replaces proline, which is neutral and non-polar, with leucine, which is neutral and non-polar, at codon 6 of the RB1 protein (p.Pro6Leu). This variant is present in population databases (rs755482658, gnomAD 0.02%). This variant has not been reported in the literature in individuals affected with RB1-related conditions. ClinVar contains an entry for this variant (Variation ID: 1780360). Advanced modeling of protein sequence and biophysical properties (such as structural, functional, and spatial information, amino acid conservation, physicochemical variation, residue mobility, and thermodynamic stability) has been performed at Invitae for this missense variant, however the output from this modeling did not meet the statistical confidence thresholds required to predict the impact of this variant on RB1 protein function. In summary, the available evidence is currently insufficient to determine the role of this variant in disease. Therefore, it has been classified as a Variant of Uncertain Significance.

Baylor Genetics
Classification: Uncertain significance for Malignant tumor of urinary bladder. Last evaluated: 2024-03-05. Review status: criteria provided, single submitter. Criteria: ACMG Guidelines, 2015. Collection method: clinical testing. Allele origin: unknown.

Ambry Genetics
Classification: Likely benign for Hereditary cancer-predisposing syndrome. Last evaluated: 2022-05-12. Review status: criteria provided, single submitter. Criteria: Ambry Variant Classification Scheme 2023. Collection method: clinical testing. Allele origin: germline.